The following is an entry in ClinVar:

ClinVar aggregate classification (germline): Uncertain significance (1 of 4 stars; one submission).

Conditions:
Autosomal recessive nonsyndromic hearing loss 66 (DFNB66). Also called: Deafness, autosomal recessive 66. Identifiers: Orphanet 90636, MedGen C1857750, MONDO:0012442, OMIM 610212.
Isolated neonatal sclerosing cholangitis (NSC). Also called: Sclerosing cholangitis, neonatal. Identifiers: Orphanet 480556, MedGen C4479344, MONDO:0018816, OMIM 617394.

Submission:

Labcorp Genetics (formerly Invitae), Labcorp
Classification: Uncertain significance for Autosomal recessive nonsyndromic hearing loss 66; Isolated neonatal sclerosing cholangitis. Last evaluated: 2022-04-25. Review status: criteria provided, single submitter. Criteria: Invitae Variant Classification Sherloc (09022015). Collection method: clinical testing. Allele origin: germline.
Comment: This sequence change replaces serine, which is neutral and polar, with glycine, which is neutral and non-polar, at codon 221 of the DCDC2 protein (p.Ser221Gly). Information on the frequency of this variant in the gnomAD database is not available, as this variant may be reported differently in the database. This variant has not been reported in the literature in individuals affected with DCDC2-related conditions. Experimental studies and prediction algorithms are not available or were not evaluated, and the functional significance of this variant is currently unknown. In summary, the available evidence is currently insufficient to determine the role of this variant in disease. Therefore, it has been classified as a Variant of Uncertain Significance.

NM_016356.5(DCDC2):c.660_661inv (p.Ser221Gly)

Gene: DCDC2 (doublecortin domain containing 2; minus strand). Cytogenetic location: 6p22.3.
Variant type: Inversion.
Coding change: c.660_661inv on transcript NM_016356.5 (MANE Select).
Protein change: p.Ser221Gly; replaces serine 221 with glycine.
Molecular consequence: missense variant.
Genome position: GRCh38 VCF-style: chr6-24290975-TG-CA. GRCh37 (hg19) VCF-style: chr6-24291203-TG-CA.
Other names: c.660_661inv, p.Ser221Gly (NM_001195610.2); short protein forms S221G.
Identifiers: ClinVar variation 2140544 (VCV002140544.1), ClinGen allele CA2580074237.